The following is an entry in ClinVar:

NM_018668.5(VPS33B):c.403+3G>A

Gene: VPS33B (VPS33B late endosome and lysosome associated; minus strand). Cytogenetic location: 15q26.1.
Variant type: single nucleotide variant.
Coding change: c.403+3G>A on transcript NM_018668.5 (MANE Select); 3 bases into the intron after coding-DNA position 403, G replaced by A.
Molecular consequence: intron variant.
Genome position (GRCh38, 1-based): chr15:91,009,798, C>T on the plus strand (G>A on the coding strand, the complement: VPS33B is on the minus strand). VCF-style: chr15-91009798-C-T. GRCh37 (hg19) VCF-style: chr15-91553028-C-T.
Other names: c.322+3G>A (NM_001289148.1); c.130+3G>A (NM_001289149.1).
Identifiers: ClinVar variation 2973613 (VCV002973613.2), dbSNP rs746411088, ClinGen allele CA7745081.
Genomic context (GRCh38, chr15:91,009,798, plus strand): 5'-CAACAACAGTTTTTTCTTCTGTATGTTCTCTTTCCCTTTCCACTCACATTCATCTCCTCT[C>T]ACCTCCATAGATTCCCTCTTCCTCAAGCACCATCTCACACGCATAGAACTGAAAGAGAAA-3'

ClinVar aggregate classification (germline): Uncertain significance (1 of 4 stars; one submission).

Allele frequency attached by ClinVar (database versions not stated): gnomAD exomes below 0.00001; ExAC 0.00001; gnomAD 0.00001; TOPMed 0.00002.
gnomAD v4.1: 9 of 1,614,072 alleles (0.00056%); highest among the groups gnomAD compares: Non-Finnish European, 0.00068%; no homozygotes.

Submission:

Labcorp Genetics (formerly Invitae), Labcorp
Classification: Uncertain significance. Last evaluated: 2024-05-31. Review status: criteria provided, single submitter. Criteria: Invitae Variant Classification Sherloc (09022015). Collection method: clinical testing. Allele origin: germline.
Comment: This sequence change falls in intron 6 of the VPS33B gene. It does not directly change the encoded amino acid sequence of the VPS33B protein. It affects a nucleotide within the consensus splice site. This variant is present in population databases (rs746411088, gnomAD 0.0009%). This variant has not been reported in the literature in individuals affected with VPS33B-related conditions. Variants that disrupt the consensus splice site are a relatively common cause of aberrant splicing (PMID: 17576681, 9536098). Algorithms developed to predict the effect of sequence changes on RNA splicing suggest that this variant is not likely to affect RNA splicing. In summary, the available evidence is currently insufficient to determine the role of this variant in disease. Therefore, it has been classified as a Variant of Uncertain Significance.

Literature cited by the submitters: PubMed 17576681; PubMed 9536098.